The following is an entry in ClinVar:

ClinVar aggregate classification (germline): Benign/Likely benign. Review status: criteria provided, multiple submitters, no conflicts (2 of 4 stars). 7 submissions from 6 submitters: Benign (4); Likely benign (2). 1 of the submissions does not count toward it. Last evaluated 2025-12-29.

Conditions:
Fibromuscular dysplasia, multifocal. Identifiers: MedGen C5543412, MONDO:0859151, OMIM 619329.
COL5A1-related disorder. Also called: COL5A1-related condition.
Ehlers-Danlos syndrome, classic type, 1 (EDSCL1). Also called: Ehlers-Danlos Syndrome, Classic Type, COL5A1-Related; EHLERS-DANLOS SYNDROME, GRAVIS TYPE; EHLERS-DANLOS SYNDROME, SEVERE CLASSIC TYPE; Ehlers-Danlos syndrome, type 1; EDS I. Identifiers: MedGen C0268335, MONDO:0019567, OMIM 130000.
Ehlers-Danlos syndrome (EDS). Identifiers: Orphanet 98249, MedGen C0013720, MONDO:0020066.
Familial thoracic aortic aneurysm and aortic dissection (TAAD). Also called: Thoracic aortic aneurysms and dissections. Identifiers: Orphanet 91387, MedGen C4707243, MONDO:0019625.

Allele frequency attached by ClinVar (database versions not stated): gnomAD exomes 0.00009 and 0.00003; gnomAD 0.00016 and 0.00014; TOPMed 0.00014; ESP Exome Variant Server 0.00015; 1000 Genomes Project 0.00060; 1000 Genomes Project 30x 0.00062; ExAC 0.00014.

Submissions (7):

Labcorp Genetics (formerly Invitae), Labcorp
Classification: Benign for Ehlers-Danlos syndrome, classic type, 1. Last evaluated: 2025-12-29. Review status: criteria provided, single submitter. Criteria: Invitae Variant Classification Sherloc (09022015). Collection method: clinical testing. Allele origin: germline.

Ambry Genetics
Classification: Likely benign for Familial thoracic aortic aneurysm and aortic dissection. Last evaluated: 2022-05-17. Review status: criteria provided, single submitter. Criteria: Ambry Variant Classification Scheme 2023. Collection method: clinical testing. Allele origin: germline.

Genome-Nilou Lab
Classification: Benign for Ehlers-Danlos syndrome, classic type, 1. Last evaluated: 2022-03-15. Review status: criteria provided, single submitter. Criteria: ACMG Guidelines, 2015. Collection method: clinical testing. Allele origin: germline. Affected: no.

Genome-Nilou Lab
Classification: Benign for Fibromuscular dysplasia, multifocal. Last evaluated: 2022-03-15. Review status: criteria provided, single submitter. Criteria: ACMG Guidelines, 2015. Collection method: clinical testing. Allele origin: germline. Affected: no.

Genome Diagnostics Laboratory, The Hospital for Sick Children
Classification: Likely benign for Ehlers-Danlos syndrome. Last evaluated: 2019-06-01. Review status: criteria provided, single submitter. Criteria: ACMG Guidelines, 2015. Collection method: clinical testing. Allele origin: germline.

GeneDx
Classification: Benign. Last evaluated: 2015-03-26. Review status: criteria provided, single submitter. Criteria: GeneDx Variant Classification (06012015). Collection method: clinical testing. Allele origin: germline. Affected: yes.
Comment: This variant is considered likely benign or benign based on one or more of the following criteria: it is a conservative change, it occurs at a poorly conserved position in the protein, it is predicted to be benign by multiple in silico algorithms, and/or has population frequency not consistent with disease.

PreventionGenetics, part of Exact Sciences
Classification: Likely benign for COL5A1-related condition. Last evaluated: 2019-06-17. Review status: no assertion criteria provided. Collection method: clinical testing. Allele origin: germline. Not counted in ClinVar's aggregate classification.
Comment: This variant is classified as likely benign based on ACMG/AMP sequence variant interpretation guidelines (Richards et al. 2015 PMID: 25741868, with internal and published modifications).

NM_000093.5(COL5A1):c.4308G>A (p.Pro1436=)

Gene: COL5A1 (collagen type V alpha 1 chain; plus strand). Cytogenetic location: 9q34.3.
Variant type: single nucleotide variant.
Coding change: c.4308G>A on transcript NM_000093.5 (MANE Select); coding-DNA position 4308, G replaced by A.
Protein change: p.Pro1436=; no amino-acid change (proline 1436 retained).
Molecular consequence: synonymous variant.
Genome position (GRCh38, 1-based): chr9:134,818,733, G>A. VCF-style: chr9-134818733-G-A. GRCh37 (hg19) VCF-style: chr9-137710579-G-A.
Other names: p.P1436P:CCG>CCA; c.4308G>A, p.Pro1436= (NM_001278074.1); c.4308G>A (NM_000093.4).
Identifiers: ClinVar variation 212906 (VCV000212906.18), dbSNP rs200073020, ClinGen allele CA323527.